The following is an entry in ClinVar:

NM_000051.4(ATM):c.2386A>C (p.Asn796His)

Gene: ATM (ATM serine/threonine kinase; plus strand). Cytogenetic location: 11q22.3.
Variant type: single nucleotide variant.
Coding change: c.2386A>C on transcript NM_000051.4 (MANE Select); coding-DNA position 2386, A replaced by C.
Protein change: p.Asn796His; replaces asparagine 796 with histidine.
Molecular consequence: missense variant.
Genome position (GRCh38, 1-based): chr11:108,258,995, A>C. VCF-style: chr11-108258995-A-C. GRCh37 (hg19) VCF-style: chr11-108129722-A-C.
Other names: c.2386A>C, p.Asn796His (NM_001351834.2); short protein forms N796H.
Identifiers: ClinVar variation 141757 (VCV000141757.31), dbSNP rs201793499, ClinGen allele CA166309.

ClinVar aggregate classification (germline): Uncertain significance. Review status: criteria provided, multiple submitters, no conflicts (2 of 4 stars). 11 submissions from 10 submitters: Uncertain significance (10). 1 of the submissions does not count toward it. Last evaluated 2026-02-01.

Conditions:
Hereditary cancer-predisposing syndrome. Also called: Neoplastic Syndromes, Hereditary; Hereditary Cancer Syndrome; Tumor predisposition; Hereditary neoplastic syndrome. Identifiers: Orphanet 140162, MedGen C0027672, MeSH D009386, MONDO:0015356.
Familial cancer of breast. Also called: Hereditary breast cancer; hereditary breast carcinoma; BREAST CANCER, FAMILIAL. Identifiers: Orphanet 227535, MedGen C0346153, MONDO:0016419, OMIM 114480. Disease mechanism: loss of function.
Ataxia-telangiectasia syndrome (AT). Also called: Cerebello-oculocutaneous telangiectasia; Immunodeficiency with ataxia telangiectasia; LOUIS-BAR SYNDROME; Ataxia-telangiectasia, complementation group D; AT, COMPLEMENTATION GROUP C; ATAXIA-TELANGIECTASIA, COMPLEMENTATION GROUP A. Identifiers: Orphanet 100, MedGen C0004135, MONDO:0008840, OMIM 208900.

Allele frequency attached by ClinVar (database versions not stated): ExAC 0.00001; ESP Exome Variant Server 0.00008.
gnomAD v4.1: 11 of 1,613,608 alleles (0.00068%); highest among the groups gnomAD compares: Non-Finnish European, 0.00085%; no homozygotes.

Submissions (11):

Labcorp Genetics (formerly Invitae), Labcorp
Classification: Uncertain significance for Ataxia-telangiectasia syndrome. Last evaluated: 2026-02-01. Review status: criteria provided, single submitter. Criteria: Invitae Variant Classification Sherloc (09022015). Collection method: clinical testing. Allele origin: germline.
Comment: This sequence change replaces asparagine, which is neutral and polar, with histidine, which is basic and polar, at codon 796 of the ATM protein (p.Asn796His). This variant is present in population databases (rs201793499, gnomAD 0.0009%). This missense change has been observed in individual(s) with chronic lymphocytic leukemia (CLL) and/or melanoma (PMID: 26837699, 36029002, 36555667). ClinVar contains an entry for this variant (Variation ID: 141757). Invitae Evidence Modeling of protein sequence and biophysical properties (such as structural, functional, and spatial information, amino acid conservation, physicochemical variation, residue mobility, and thermodynamic stability) indicates that this missense variant is not expected to disrupt ATM protein function with a negative predictive value of 95%. In summary, the available evidence is currently insufficient to determine the role of this variant in disease. Therefore, it has been classified as a Variant of Uncertain Significance.

GeneDx
Classification: Uncertain significance. Last evaluated: 2026-01-06. Review status: criteria provided, single submitter. Criteria: GeneDx Variant Classification Process June 2021. Collection method: clinical testing. Allele origin: germline. Affected: yes.
Comment: Not observed at significant frequency in large population cohorts (gnomAD); In silico analysis suggests that this missense variant does not alter protein structure/function; Observed in individuals with breast cancer or leukemia, as well as in both cases and unaffected controls in a study of chronic lymphocytic leukemia (PMID: 36029002, 26837699, 28652578, 33280026); This variant is associated with the following publications: (PMID: 36029002, 26837699, 33280026, 36555667, 28652578)

Center for Genomic Medicine, Rigshospitalet, Copenhagen University Hospital
Classification: Uncertain significance. Last evaluated: 2025-03-04. Review status: criteria provided, single submitter. Criteria: ACMG Guidelines, 2015. Collection method: clinical testing. Allele origin: germline.

Color Diagnostics, LLC DBA Color Health
Classification: Uncertain significance for Hereditary cancer-predisposing syndrome. Last evaluated: 2025-01-13. Review status: criteria provided, single submitter. Criteria: ACMG Guidelines, 2015. Collection method: clinical testing. Allele origin: germline.
Comment: This missense variant replaces asparagine with histidine at codon 796 of the ATM protein. Computational prediction suggests that this variant may not impact protein structure and function. To our knowledge, functional studies have not been reported for this variant. This variant has been reported in an individuals affected with chronic lymphocytic leukemia (PMID: 26837699, 36029002) and melanoma (PMID: 36555667). This variant has been identified in 1/251222 chromosomes in the general population by the Genome Aggregation Database (gnomAD). The available evidence is insufficient to determine the role of this variant in disease conclusively. Therefore, this variant is classified as a Variant of Uncertain Significance.

Ambry Genetics
Classification: Uncertain significance for Hereditary cancer-predisposing syndrome. Last evaluated: 2024-07-07. Review status: criteria provided, single submitter. Criteria: Ambry Variant Classification Scheme 2023. Collection method: clinical testing. Allele origin: germline.
Comment: The p.N796H variant (also known as c.2386A>C), located in coding exon 15 of the ATM gene, results from an A to C substitution at nucleotide position 2386. The asparagine at codon 796 is replaced by histidine, an amino acid with similar properties. This alteration has been reported in the germline of 2 of 8,920 ethnically matched normal population control subjects and 1 of 516 samples from a study of chronic lymphocytic leukemia patients of European descent (Tiao G et al. Leukemia, 2017 10;31:2244-2247). This amino acid position is not well conserved in available vertebrate species. In addition, this alteration is predicted to be tolerated by in silico analysis. Since supporting evidence is limited at this time, the clinical significance of this alteration remains unclear.

Baylor Genetics
Classification: Uncertain significance for Familial cancer of breast. Last evaluated: 2024-01-31. Review status: criteria provided, single submitter. Criteria: ACMG Guidelines, 2015. Collection method: clinical testing. Allele origin: unknown.

Blueprint Genetics
Classification: Uncertain significance. Last evaluated: 2021-07-11. Review status: criteria provided, single submitter. Criteria: ACMG Guidelines, 2015. Collection method: clinical testing. Allele origin: germline.

Spanish ATM Cancer Susceptibility Variant Interpretation Working Group
Classification: Uncertain significance for Hereditary cancer-predisposing syndrome. Last evaluated: 2020-06-17. Review status: criteria provided, single submitter. Criteria: Feliubadaló L et al. (Clin Chem 2021). Collection method: clinical testing. Allele origin: germline. Affected: yes. Observed: 1 heterozygote.
Comment: The c.2386A>C (p.Asn796His) variant appears only once in the gnomAD v2.1.1 non-cancer dataset, specifically in the European (non-Finnish) subpopulation (PM2). It is not predicted to lead to a splicing alteration according to SPiCE, and no splicing site is created or activated according to at least 3 splicing predictors of the set SpliceSiteFinderlike - MaxEntScan - NNSplice - GeneSplicer. Also, this missense variant does not alter the protein function / structure on the in-silico prediction reports of REVEL and Vest4 (BP4). There is no other supporting data that meet criteria for consideration. Therefore, the clinical significance of this variant is uncertain. Adapted ACMG/AMP rules applied as defined by the Spanish ATM working group: PM2 + BP4 (PMID: 33280026).

Women's Health and Genetics/Laboratory Corporation of America, LabCorp
Classification: Uncertain significance. Last evaluated: 2020-04-03. Review status: criteria provided, single submitter. Criteria: LabCorp Variant Classification Summary - May 2015. Collection method: clinical testing. Allele origin: germline.
Comment: Variant summary: ATM c.2386A>C (p.Asn796His) results in a conservative amino acid change in the encoded protein sequence. Four of five in-silico tools predict a benign effect of the variant on protein function. The variant allele was found at a frequency of 4e-06 in 251222 control chromosomes (gnomAD). The available data on variant occurrences in the general population are insufficient to allow any conclusion about variant significance. c.2386A>C has been reported in the literature in one individual affected with chronic lymphocytic leukemia (Nadeu_2016). The report does not provide unequivocal conclusions about association of the variant with Breast Cancer. To our knowledge, no experimental evidence demonstrating an impact on protein function has been reported. Three ClinVar submitters (evaluation after 2014) cite the variant as uncertain significance. Based on the evidence outlined above, the variant was classified as uncertain significance.

Baylor Genetics
Classification: Uncertain significance for Ataxia-telangiectasia syndrome. Last evaluated: 2019-04-30. Review status: criteria provided, single submitter. Criteria: ACMG Guidelines, 2015. Collection method: clinical testing. Allele origin: paternal. Affected: yes. Study: CSER-TexasKidsCanSeq.
Comment: This variant was determined to be of uncertain significance according to ACMG Guidelines, 2015 [PMID:25741868].

Natera, Inc.
Classification: Uncertain significance for Ataxia-telangiectasia. Last evaluated: 2020-03-06. Review status: no assertion criteria provided. Collection method: clinical testing. Allele origin: germline. Not counted in ClinVar's aggregate classification.

Literature cited by the submitters: PubMed 26837699 (cited by 3 submitters); PubMed 36029002 (cited by 3 submitters); PubMed 36555667 (cited by 4 submitters); PubMed 33280026 (cited by Center for Genomic Medicine, Rigshospitalet, Copenhagen University Hospital and Ambry Genetics); PubMed 28652578 (cited by Ambry Genetics).